The following is an entry in ClinVar:

NM_002224.4(ITPR3):c.282+4TG[7]

Gene: ITPR3 (inositol 1,4,5-trisphosphate receptor type 3; plus strand). Cytogenetic location: 6p21.31.
Variant type: Microsatellite.
Coding change: c.282+4TG[7] on transcript NM_002224.4 (MANE Select); seven copies in a row of the 2-base unit TG starting at c.282+4; the reference has six copies in a row; one copy, 2 bases duplicated.
Molecular consequence: intron variant.
Genome position (GRCh38, 1-based): chr6:33,655,901-33,655,902, TG duplicated; duplicating any 2 consecutive bases within chr6:33,655,891-33,655,902 gives the same sequence; the position shown is the placement nearest the transcript's 3' end. VCF-style (leftmost placement, unchanged base first): chr6-33655890-A-ATG. GRCh37 (hg19) VCF-style: chr6-33623667-A-ATG.
Identifiers: ClinVar variation 1170819 (VCV001170819.22), dbSNP rs149835704, ClinGen allele CA3759865.

ClinVar aggregate classification (germline): Benign/Likely benign. Review status: criteria provided, multiple submitters, no conflicts (2 of 4 stars). 2 submissions from 2 submitters: Benign (1); Likely benign (1). Last evaluated 2026-07-01.

Submissions (2):

CeGaT Center for Human Genetics Tuebingen
Classification: Likely benign. Last evaluated: 2026-07-01. Review status: criteria provided, single submitter. Criteria: CeGaT Center For Human Genetics Tuebingen Variant Classification Criteria Version 2. Collection method: clinical testing. Allele origin: germline. Affected: yes. Observed: 5 variant alleles.
Comment: ITPR3: BS2

Labcorp Genetics (formerly Invitae), Labcorp
Classification: Benign. Last evaluated: 2022-04-10. Review status: criteria provided, single submitter. Criteria: Invitae Variant Classification Sherloc (09022015). Collection method: clinical testing. Allele origin: germline.